The following is an entry in ClinVar:

ClinVar aggregate classification (germline): Likely pathogenic (1 of 4 stars; one submission).

Conditions:
Cardiovascular phenotype. Identifiers: MedGen CN230736.

Submission:

Ambry Genetics
Classification: Likely pathogenic for Cardiovascular phenotype. Last evaluated: 2026-05-02. Review status: criteria provided, single submitter. Criteria: Ambry Variant Classification Scheme 2023. Collection method: clinical testing. Allele origin: germline.
Comment: The c.43181_43184delCTCT (p.P14394Rfs*2) alteration, located in exon 154 (coding exon 153) of the TTN gene, consists of a deletion of 4 nucleotides from position 43181 to 43184, causing a translational frameshift with a predicted alternate stop codon after 2 amino acids. This variant is expected to result in loss of function by premature protein truncation or nonsense-mediated mRNA decay. This variant was not reported in population-based cohorts in the Genome Aggregation Database (gnomAD). This exon is located in the A-band region of the N2-B isoform of the titin protein and is constitutively expressed in TTN transcripts (percent spliced in or PSI 100%). While truncating variants in TTN are present in 1-3% of the general population, truncating variants in the A-band are the most common cause of dilated cardiomyopathy (Herman, 2012; Roberts, 2015). TTN truncating variants encoded in constitutive exons (PSI >90%) have been found to be significantly associated with DCM regardless of their position in titin (Schafer, 2017; Akhtar, 2020; Massier, 2025). Based on the available evidence, this alteration is classified as likely pathogenic.

NM_001267550.2(TTN):c.70376_70379del (p.Pro23459fs)

Genes: TTN (titin; minus strand), TTN-AS1 (TTN antisense RNA 1; plus strand), LOC126806422 (BRD4-independent group 4 enhancer GRCh37_chr2:179440205-179441404; plus strand). Cytogenetic location: 2q31.2.
Variant type: Deletion.
Coding change: c.70376_70379del on transcript NM_001267550.2 (MANE Select); coding-DNA positions 70376 to 70379, 4 bases deleted (CTCT; older notation c.70376_70379delCTCT).
Protein change: p.Pro23459fs; shifts the reading frame from proline 23459.
Molecular consequence: frameshift variant.
Genome position (GRCh38, 1-based): chr2:178,575,753-178,575,756, AGAG deleted on the plus strand (CTCT on the coding strand, the reverse complement: TTN is on the minus strand). VCF-style (leftmost placement, unchanged base first): chr2-178575752-CAGAG-C. GRCh37 (hg19) VCF-style: chr2-179440479-CAGAG-C.
Other names: c.65453_65456del, p.Pro21818fs (NM_001256850.1); c.43181_43184del, p.Pro14394fs (NM_003319.4); c.62672_62675del, p.Pro20891fs (NM_133378.4); c.43556_43559del, p.Pro14519fs (NM_133432.3); c.43757_43760del, p.Pro14586fs (NM_133437.4); c.43181_43184delCTCT (NM_003319.4); short protein forms P14394fs, P14519fs, P14586fs, P20891fs, P21818fs, P23459fs.
Identifiers: ClinVar variation 4866252 (VCV004866252.1).